The following is an entry in ClinVar:

NM_017617.5(NOTCH1):c.2983G>A (p.Gly995Ser)

Gene: NOTCH1 (notch receptor 1; minus strand). Cytogenetic location: 9q34.3.
Variant type: single nucleotide variant.
Coding change: c.2983G>A on transcript NM_017617.5 (MANE Select); coding-DNA position 2983, G replaced by A.
Protein change: p.Gly995Ser; replaces glycine 995 with serine.
Molecular consequence: missense variant.
Genome position (GRCh38, 1-based): chr9:136,509,058, C>T on the plus strand (G>A on the coding strand, the complement: NOTCH1 is on the minus strand). VCF-style: chr9-136509058-C-T. GRCh37 (hg19) VCF-style: chr9-139403510-C-T.
Other names: c.2983G>A, p.Gly995Ser (LRG_1122t1); short protein forms G995S.
Identifiers: ClinVar variation 567778 (VCV000567778.11), dbSNP rs868369610, ClinGen allele CA201581267.

ClinVar aggregate classification (germline): Conflicting classifications of pathogenicity. Review status: criteria provided, conflicting classifications (1 of 4 stars). 3 submissions from 3 submitters: Uncertain significance (2); Likely benign (1). Last evaluated 2026-08-05.

Conditions:
Aortic valve disease 1 (AOVD1). Identifiers: MedGen C3887892, MONDO:0024523, OMIM 109730.
Adams-Oliver syndrome 5 (AOS5). Identifiers: Orphanet 974, MedGen C4014970, MONDO:0014459, OMIM 616028.
Familial thoracic aortic aneurysm and aortic dissection (TAAD). Also called: Thoracic aortic aneurysms and dissections. Identifiers: Orphanet 91387, MedGen C4707243, MONDO:0019625.

Allele frequency attached by ClinVar (database versions not stated): gnomAD 0.00001 and 0.00002; TOPMed 0.00001; gnomAD exomes 0.00002 and 0.00003.
gnomAD v4.1: 43 of 1,557,858 alleles (0.0028%); highest among the groups gnomAD compares: Admixed American, 0.0076%; no homozygotes.

Submissions (3):

Ambry Genetics
Classification: Uncertain significance for Familial thoracic aortic aneurysm and aortic dissection. Last evaluated: 2026-08-05. Review status: criteria provided, single submitter. Criteria: Ambry Variant Classification Scheme 2023. Collection method: clinical testing. Allele origin: germline.
Comment: The p.G995S variant (also known as c.2983G>A), located in coding exon 19 of the NOTCH1 gene, results from a G to A substitution at nucleotide position 2983. The glycine at codon 995 is replaced by serine, an amino acid with similar properties. This amino acid position is well conserved in available vertebrate species. In addition, the in silico prediction for this alteration is inconclusive. Based on the available evidence, the clinical significance of this variant remains unclear.

Labcorp Genetics (formerly Invitae), Labcorp
Classification: Likely benign for Adams-Oliver syndrome 5. Last evaluated: 2024-12-08. Review status: criteria provided, single submitter. Criteria: Invitae Variant Classification Sherloc (09022015). Collection method: clinical testing. Allele origin: germline.

Department of Pathology and Laboratory Medicine, Sinai Health System
Classification: Uncertain significance for Aortic valve disease 1; Adams-Oliver syndrome 5. Last evaluated: 2021-07-30. Review status: criteria provided, single submitter. Criteria: ACMG Guidelines, 2015. Collection method: research. Allele origin: germline.